The following is an entry in ClinVar:

ClinVar aggregate classification (germline): Uncertain significance (1 of 4 stars; one submission).

Conditions:
Capillary malformation-arteriovenous malformation syndrome. Also called: Capillary malformation-arteriovenous malformation. Identifiers: Orphanet 137667, MedGen C1842180, MONDO:0012016.

Allele frequency attached by ClinVar (database versions not stated): gnomAD exomes below 0.00001; ExAC 0.00001; TOPMed 0.00001.
gnomAD v4.1: 4 of 1,611,772 alleles (0.00025%); highest among the groups gnomAD compares: Non-Finnish European, 0.00034%; no homozygotes.

Submission:

Labcorp Genetics (formerly Invitae), Labcorp
Classification: Uncertain significance for Capillary malformation-arteriovenous malformation syndrome. Last evaluated: 2023-10-24. Review status: criteria provided, single submitter. Criteria: Invitae Variant Classification Sherloc (09022015). Collection method: clinical testing. Allele origin: germline.
Comment: This sequence change replaces alanine, which is neutral and non-polar, with valine, which is neutral and non-polar, at codon 84 of the RASA1 protein (p.Ala84Val). The frequency data for this variant in the population databases is considered unreliable, as metrics indicate poor data quality at this position in the gnomAD database. This variant has not been reported in the literature in individuals affected with RASA1-related conditions. An algorithm developed to predict the effect of missense changes on protein structure and function (PolyPhen-2) suggests that this variant is likely to be disruptive. In summary, the available evidence is currently insufficient to determine the role of this variant in disease. Therefore, it has been classified as a Variant of Uncertain Significance.

NM_002890.3(RASA1):c.251C>T (p.Ala84Val)

Gene: RASA1 (RAS p21 protein activator 1; plus strand). Cytogenetic location: 5q14.3.
Variant type: single nucleotide variant.
Coding change: c.251C>T on transcript NM_002890.3 (MANE Select); coding-DNA position 251, C replaced by T.
Protein change: p.Ala84Val; replaces alanine 84 with valine.
Molecular consequence: missense variant.
Genome position (GRCh38, 1-based): chr5:87,268,702, C>T. VCF-style: chr5-87268702-C-T. GRCh37 (hg19) VCF-style: chr5-86564519-C-T.
Other names: short protein forms A84V.
Identifiers: ClinVar variation 2911950 (VCV002911950.3), dbSNP rs753678051, ClinGen allele CA3335362.
Genomic context (GRCh38, chr5:87,268,702, plus strand): 5'-GAGCCGCTTTGGGGTCAGAGTTCCTAGGAGCCGGGTCTGTGGCAGGGGCACTGGGGGGAG[C>T]TGGACTGACAGGGGGAGGTACTGCTGCTGGCGTAGCTGGTGCTGCTGCTGGCGTGGCCGG-3'
Protein context (NP_002881.1, residues 74-94): AGSVAGALGG[Ala84Val]GLTGGGTAAG